The following is an entry in ClinVar:

ClinVar aggregate classification (germline): Uncertain significance (1 of 4 stars; one submission).

Conditions:
Desmin-related myofibrillar myopathy (MFM1). Also called: Desminopathy; Desmin related myopathy (former name); Desmin storage myopathy (former name); MYOFIBRILLAR MYOPATHY WITH ARRHYTHMOGENIC RIGHT VENTRICULAR CARDIOMYOPATHY; DESMIN-RELATED MYOPATHY WITH ARRHYTHMOGENIC RIGHT VENTRICULAR CARDIOMYOPATHY; Myofibrillar myopathy 1. Identifiers: Orphanet 363543, Orphanet 98909, MedGen C1832370, MONDO:0011076, OMIM 601419.

Submission:

Labcorp Genetics (formerly Invitae), Labcorp
Classification: Uncertain significance for Desmin-related myofibrillar myopathy. Last evaluated: 2025-11-20. Review status: criteria provided, single submitter. Criteria: Invitae Variant Classification Sherloc (09022015). Collection method: clinical testing. Allele origin: germline.
Comment: This sequence change replaces threonine, which is neutral and polar, with serine, which is neutral and polar, at codon 283 of the DES protein (p.Thr283Ser). This variant is not present in population databases (gnomAD no frequency). This variant has not been reported in the literature in individuals affected with DES-related conditions. Invitae Evidence Modeling of protein sequence and biophysical properties (such as structural, functional, and spatial information, amino acid conservation, physicochemical variation, residue mobility, and thermodynamic stability) indicates that this missense variant is not expected to disrupt DES protein function with a negative predictive value of 80%. In summary, the available evidence is currently insufficient to determine the role of this variant in disease. Therefore, it has been classified as a Variant of Uncertain Significance.

NM_001927.4(DES):c.847A>T (p.Thr283Ser)

Gene: DES (desmin; plus strand). Cytogenetic location: 2q35.
Variant type: single nucleotide variant.
Coding change: c.847A>T on transcript NM_001927.4 (MANE Select); coding-DNA position 847, A replaced by T.
Protein change: p.Thr283Ser; replaces threonine 283 with serine.
Molecular consequence: missense variant. On other transcripts: intron variant (1).
Genome position (GRCh38, 1-based): chr2:219,420,606, A>T. VCF-style: chr2-219420606-A-T. GRCh37 (hg19) VCF-style: chr2-220285328-A-T.
Other names: c.844A>T, p.Thr282Ser (NM_001382708.1); c.847A>T, p.Thr283Ser (NM_001382710.1, NM_001382711.1, NM_001382712.1); c.577A>T, p.Thr193Ser (NM_001382713.1); c.735+260A>T (NM_001382709.1); short protein forms T282S, T283S, T193S.
Identifiers: ClinVar variation 4783738 (VCV004783738.1).